The following is an entry in ClinVar:

NM_001041.4(SI):c.2893-1G>A

Gene: SI (sucrase-isomaltase; minus strand). Cytogenetic location: 3q26.1.
Variant type: single nucleotide variant.
Coding change: c.2893-1G>A on transcript NM_001041.4 (MANE Select); the canonical splice acceptor site of the intron before coding-DNA position 2893, G replaced by A.
Molecular consequence: splice acceptor variant.
Genome position (GRCh38, 1-based): chr3:165,023,777, C>T on the plus strand (G>A on the coding strand, the complement: SI is on the minus strand). VCF-style: chr3-165023777-C-T. GRCh37 (hg19) VCF-style: chr3-164741565-C-T.
Identifiers: ClinVar variation 2701669 (VCV002701669.4), dbSNP rs2473296292, ClinGen allele CA355042719.

ClinVar aggregate classification (germline): Likely pathogenic. Review status: criteria provided, multiple submitters, no conflicts (2 of 4 stars). 2 submissions from 2 submitters: Likely pathogenic (2). Last evaluated 2024-06-15.

Conditions:
Sucrase-isomaltase deficiency (CSID). Also called: SI DEFICIENCY; Congenital sucrose isomaltose malabsorption; Sucrose isomaltose enzyme deficiency; Deficiency of isomaltase. Identifiers: Orphanet 35122, MedGen C1283620, MONDO:0009114, OMIM 222900.

Submissions (2):

Fulgent Genetics
Classification: Likely pathogenic for Sucrase-isomaltase deficiency. Last evaluated: 2024-06-15. Review status: criteria provided, single submitter. Criteria: ACMG Guidelines, 2015. Collection method: clinical testing. Allele origin: germline.

Labcorp Genetics (formerly Invitae), Labcorp
Classification: Likely pathogenic. Last evaluated: 2023-12-09. Review status: criteria provided, single submitter. Criteria: Invitae Variant Classification Sherloc (09022015). Collection method: clinical testing. Allele origin: germline.
Comment: This sequence change affects an acceptor splice site in intron 25 of the SI gene. It is expected to disrupt RNA splicing. Variants that disrupt the donor or acceptor splice site typically lead to a loss of protein function (PMID: 16199547), and loss-of-function variants in SI are known to be pathogenic (PMID: 16329100, 23103650, 25452324). This variant is not present in population databases (gnomAD no frequency). This variant has not been reported in the literature in individuals affected with SI-related conditions. Algorithms developed to predict the effect of sequence changes on RNA splicing suggest that this variant may disrupt the consensus splice site. In summary, the currently available evidence indicates that the variant is pathogenic, but additional data are needed to prove that conclusively. Therefore, this variant has been classified as Likely Pathogenic.

Literature cited by the submitters: PubMed 16199547 (cited by Labcorp Genetics (formerly Invitae), Labcorp); PubMed 16329100 (cited by Labcorp Genetics (formerly Invitae), Labcorp); PubMed 23103650 (cited by Labcorp Genetics (formerly Invitae), Labcorp); PubMed 25452324 (cited by Labcorp Genetics (formerly Invitae), Labcorp).